The following is an entry in ClinVar:

ClinVar aggregate classification (germline): Uncertain significance (1 of 4 stars; one submission).

Conditions:
Cardiovascular phenotype. Identifiers: MedGen CN230736.

Submission:

Ambry Genetics
Classification: Uncertain significance for Cardiovascular phenotype. Last evaluated: 2024-01-08. Review status: criteria provided, single submitter. Criteria: Ambry Variant Classification Scheme 2023. Collection method: clinical testing. Allele origin: germline.
Comment: The p.E1220K variant (also known as c.3658G>A), located in coding exon 24 of the MYH6 gene, results from a G to A substitution at nucleotide position 3658. The glutamic acid at codon 1220 is replaced by lysine, an amino acid with similar properties. This amino acid position is highly conserved in available vertebrate species. In addition, this alteration is predicted to be deleterious by in silico analysis. Since supporting evidence is limited at this time, the clinical significance of this alteration remains unclear.

NM_002471.4(MYH6):c.3658G>A (p.Glu1220Lys)

Gene: MYH6 (myosin heavy chain 6; minus strand). Cytogenetic location: 14q11.2.
Variant type: single nucleotide variant.
Coding change: c.3658G>A on transcript NM_002471.4 (MANE Select); coding-DNA position 3658, G replaced by A.
Protein change: p.Glu1220Lys; replaces glutamic acid 1220 with lysine.
Molecular consequence: missense variant.
Genome position (GRCh38, 1-based): chr14:23,390,131, C>T on the plus strand (G>A on the coding strand, the complement: MYH6 is on the minus strand). VCF-style: chr14-23390131-C-T. GRCh37 (hg19) VCF-style: chr14-23859340-C-T.
Other names: short protein forms E1220K.
Identifiers: ClinVar variation 3222333 (VCV003222333.1), dbSNP rs1180345753, ClinGen allele CA389005499.
Genomic context (GRCh38, chr14:23,390,131, plus strand): 5'-TCTGCTCCATGTTGGAGGTGACGTCATCCAGCTCCAGCTTGAACTCGCTCTTCTCCTTCT[C>T]CAGCTTCTGCTTCACCCGCTGCAGGTTGTCGATCTGCTCGCCCAGCTCGGCCACGCTGTC-3'
Protein context (NP_002462.2, residues 1210-1230): DNLQRVKQKL[Glu1220Lys]KEKSEFKLEL